The following is an entry in ClinVar:

ClinVar aggregate classification (germline): Uncertain significance (1 of 4 stars; one submission).

Conditions:
Short stature, rhizomelic, with microcephaly, micrognathia, and developmental delay (SSMG). Also called: SHORT STATURE-MICROGNATHIA SYNDROME. Identifiers: Orphanet 659702, MedGen C4310686, MONDO:0014948, OMIM 617164.

Submission:

Victorian Clinical Genetics Services, Murdoch Childrens Research Institute
Classification: Uncertain significance for Short stature, rhizomelic, with microcephaly, micrognathia, and developmental delay. Last evaluated: 2022-02-02. Review status: criteria provided, single submitter. Criteria: ACMG Guidelines, 2015. Collection method: clinical testing. Allele origin: germline. Inheritance: Autosomal dominant inheritance.
Comment: Based on the classification scheme VCGS_Germline_v1.3.4, this variant is classified as VUS-3A. Following criteria are met: 0102 - Loss of function is a known mechanism of disease in this gene and is associated with short stature, rhizomelic, with microcephaly, micrognathia, and developmental delay (MIM#617164). (I) 0107 - This gene is associated with autosomal dominant disease. (I) 0200 - Variant is predicted to result in a missense amino acid change from valine to alanine. (I) 0251 - This variant is heterozygous. (I) 0301 - Variant is absent from gnomAD (both v2 and v3). (SP) 0309 - An alternative amino acid change at the same position has been observed in gnomAD (v3) (1 heterozygote, 0 homozygotes). (I) 0502 - Missense variant with conflicting in silico predictions and high conservation. (I) 0604 - Variant is not located in an established domain, motif, hotspot or informative constraint region. (I) 0705 - No comparable missense variants have previous evidence for pathogenicity. (I) 0807 - This variant has no previous evidence of pathogenicity. (I) 0905 - No published segregation evidence has been identified for this variant. (I) 1007 - No published functional evidence has been identified for this variant. (SP) Legend: (SP) - Supporting pathogenic, (I) - Information, (SB) - Supporting benign

NM_001655.5(ARCN1):c.440T>C (p.Val147Ala)

Gene: ARCN1 (archain 1; plus strand). Cytogenetic location: 11q23.3.
Variant type: single nucleotide variant.
Coding change: c.440T>C on transcript NM_001655.5 (MANE Select); coding-DNA position 440, T replaced by C.
Protein change: p.Val147Ala; replaces valine 147 with alanine.
Molecular consequence: missense variant.
Genome position (GRCh38, 1-based): chr11:118,583,351, T>C. VCF-style: chr11-118583351-T-C. GRCh37 (hg19) VCF-style: chr11-118454066-T-C.
Other names: c.176T>C, p.Val59Ala (NM_001142281.2); short protein forms V147A, V59A.
Identifiers: ClinVar variation 1805111 (VCV001805111.1), dbSNP rs2497682575, ClinGen allele CA382804769.